The following is an entry in ClinVar:

NM_001367624.2(ZNF469):c.9785C>T (p.Ala3262Val)

Gene: ZNF469 (zinc finger protein 469; plus strand). Cytogenetic location: 16q24.2.
Variant type: single nucleotide variant.
Coding change: c.9785C>T on transcript NM_001367624.2 (MANE Select); coding-DNA position 9785, C replaced by T.
Protein change: p.Ala3262Val; replaces alanine 3262 with valine.
Molecular consequence: missense variant.
Genome position (GRCh38, 1-based): chr16:88,437,255, C>T. VCF-style: chr16-88437255-C-T. GRCh37 (hg19) VCF-style: chr16-88503663-C-T.
Other names: NM_001127464.1:c.9701C>T; short protein forms A3262V.
Identifiers: ClinVar variation 1204348 (VCV001204348.9), dbSNP rs1309673757, ClinGen allele CA397124713.

ClinVar aggregate classification (germline): Uncertain significance. Review status: criteria provided, multiple submitters, no conflicts (2 of 4 stars). 3 submissions from 3 submitters: Uncertain significance (3). Last evaluated 2024-02-03.

Conditions:
Cardiovascular phenotype. Identifiers: MedGen CN230736.

Allele frequency attached by ClinVar (database versions not stated): gnomAD 0.00001 and 0.00002; gnomAD exomes 0.00001; TOPMed 0.00001.
gnomAD v4.1: 10 of 1,548,754 alleles (0.00065%); highest among the groups gnomAD compares: East Asian, 0.015%; no homozygotes.

Submissions (3):

Labcorp Genetics (formerly Invitae), Labcorp
Classification: Uncertain significance. Last evaluated: 2024-02-03. Review status: criteria provided, single submitter. Criteria: Invitae Variant Classification Sherloc (09022015). Collection method: clinical testing. Allele origin: germline.
Comment: This sequence change replaces alanine, which is neutral and non-polar, with valine, which is neutral and non-polar, at codon 3234 of the ZNF469 protein (p.Ala3234Val). This variant is present in population databases (no rsID available, gnomAD 0.002%). This variant has not been reported in the literature in individuals affected with ZNF469-related conditions. ClinVar contains an entry for this variant (Variation ID: 1204348). An algorithm developed to predict the effect of missense changes on protein structure and function (PolyPhen-2) suggests that this variant is likely to be tolerated. In summary, the available evidence is currently insufficient to determine the role of this variant in disease. Therefore, it has been classified as a Variant of Uncertain Significance.

Ambry Genetics
Classification: Uncertain significance for Cardiovascular phenotype. Last evaluated: 2023-01-07. Review status: criteria provided, single submitter. Criteria: Ambry Variant Classification Scheme 2023. Collection method: clinical testing. Allele origin: germline.
Comment: The p.A3234V variant (also known as c.9701C>T), located in coding exon 2 of the ZNF469 gene, results from a C to T substitution at nucleotide position 9701. The alanine at codon 3234 is replaced by valine, an amino acid with similar properties. This amino acid position is conserved. In addition, this alteration is predicted to be tolerated by in silico analysis. Since supporting evidence is limited at this time, the clinical significance of this alteration remains unclear.

GeneDx
Classification: Uncertain significance. Last evaluated: 2020-05-06. Review status: criteria provided, single submitter. Criteria: GeneDx Variant Classification Process June 2021. Collection method: clinical testing. Allele origin: germline. Affected: yes.
Comment: Not observed at a significant frequency in large population cohorts (Lek et al., 2016); In silico analysis supports that this missense variant does not alter protein structure/function